The following is an entry in ClinVar:

ClinVar aggregate classification (germline): Uncertain significance (1 of 4 stars; one submission).

Conditions:
Hereditary cancer-predisposing syndrome. Also called: Neoplastic Syndromes, Hereditary; Tumor predisposition; Hereditary neoplastic syndrome; Hereditary Cancer Syndrome. Identifiers: Orphanet 140162, MedGen C0027672, MeSH D009386, MONDO:0015356.

gnomAD v4.1: 1 of 1,613,314 alleles (0.000062%); highest among the groups gnomAD compares: South Asian, 0.0011%; no homozygotes.

Submission:

Ambry Genetics
Classification: Uncertain significance for Hereditary cancer-predisposing syndrome. Last evaluated: 2024-04-24. Review status: criteria provided, single submitter. Criteria: Ambry Variant Classification Scheme 2023. Collection method: clinical testing. Allele origin: germline.
Comment: The p.S98N variant (also known as c.293G>A), located in coding exon 3 of the ATM gene, results from a G to A substitution at nucleotide position 293. The serine at codon 98 is replaced by asparagine, an amino acid with highly similar properties. This amino acid position is conserved. In addition, this alteration is predicted to be tolerated by in silico analysis. Based on the available evidence, the clinical significance of this variant remains unclear.

NM_000051.4(ATM):c.293G>A (p.Ser98Asn)

Gene: ATM (ATM serine/threonine kinase; plus strand). Cytogenetic location: 11q22.3.
Variant type: single nucleotide variant.
Coding change: c.293G>A on transcript NM_000051.4 (MANE Select); coding-DNA position 293, G replaced by A.
Protein change: p.Ser98Asn; replaces serine 98 with asparagine.
Molecular consequence: missense variant.
Genome position (GRCh38, 1-based): chr11:108,229,285, G>A. VCF-style: chr11-108229285-G-A. GRCh37 (hg19) VCF-style: chr11-108100012-G-A.
Other names: c.293G>A, p.Ser98Asn (NM_001351834.2, NM_001351835.2, NM_001351836.2); short protein forms S98N.
Identifiers: ClinVar variation 3325689 (VCV003325689.1).
Genomic context (GRCh38, chr11:108,229,285, plus strand): 5'-CAAAACCAAATGTATCAGCCTCAACACAAGCCTCCAGGCAGAAAAAGATGCAGGAAATCA[G>A]TAGTTTGGTCAAATACTTCATCAAATGTGCAAACAGAAGTAAGTGATGTTATAAATTATA-3'
Protein context (NP_000042.3, residues 88-108): ASRQKKMQEI[Ser98Asn]SLVKYFIKCA